The following is an entry in ClinVar:

NM_000051.4(ATM):c.4067A>T (p.Asn1356Ile)

Gene: ATM (ATM serine/threonine kinase; plus strand). Cytogenetic location: 11q22.3.
Variant type: single nucleotide variant.
Coding change: c.4067A>T on transcript NM_000051.4 (MANE Select); coding-DNA position 4067, A replaced by T.
Protein change: p.Asn1356Ile; replaces asparagine 1356 with isoleucine.
Molecular consequence: missense variant.
Genome position (GRCh38, 1-based): chr11:108,287,673, A>T. VCF-style: chr11-108287673-A-T. GRCh37 (hg19) VCF-style: chr11-108158400-A-T.
Other names: c.4067A>T, p.Asn1356Ile (NM_001351834.2); short protein forms N1356I.
Identifiers: ClinVar variation 3220968 (VCV003220968.1), dbSNP rs2135736874, ClinGen allele CA382528111.

ClinVar aggregate classification (germline): Uncertain significance (1 of 4 stars; one submission).

Conditions:
Hereditary cancer-predisposing syndrome. Also called: Tumor predisposition; Hereditary neoplastic syndrome; Hereditary Cancer Syndrome; Neoplastic Syndromes, Hereditary. Identifiers: Orphanet 140162, MedGen C0027672, MeSH D009386, MONDO:0015356.

Allele frequency attached by ClinVar (database versions not stated): gnomAD exomes 0.00001.
gnomAD v4.1: 11 of 1,613,882 alleles (0.00068%); highest among the groups gnomAD compares: Non-Finnish European, 0.00093%; no homozygotes.

Submission:

Ambry Genetics
Classification: Uncertain significance for Hereditary cancer-predisposing syndrome. Last evaluated: 2023-09-15. Review status: criteria provided, single submitter. Criteria: Ambry Variant Classification Scheme 2023. Collection method: clinical testing. Allele origin: germline.
Comment: The p.N1356I variant (also known as c.4067A>T), located in coding exon 26 of the ATM gene, results from an A to T substitution at nucleotide position 4067. The asparagine at codon 1356 is replaced by isoleucine, an amino acid with dissimilar properties. This alteration was identified in 1 of 13087 breast cancer cases and 0 of 5488 control individuals in the UK (Decker B et al. J Med Genet, 2017 Nov;54:732-741). This amino acid position is poorly conserved in available vertebrate species. In addition, this alteration is predicted to be tolerated by in silico analysis. Since supporting evidence is limited at this time, the clinical significance of this alteration remains unclear.

Literature cited by the submitters: PubMed 28779002.